The following is an entry in ClinVar:

NM_014210.4(EVI2A):c.156C>T (p.Gly52=)

Genes: EVI2A (ecotropic viral integration site 2A; minus strand), NF1 (neurofibromin 1; plus strand). Cytogenetic location: 17q11.2.
Variant type: single nucleotide variant.
Coding change: c.156C>T on transcript NM_014210.4 (MANE Select); coding-DNA position 156, C replaced by T.
Protein change: p.Gly52=; no amino-acid change (glycine 52 retained).
Molecular consequence: synonymous variant. On other transcripts: intron variant (2).
Genome position (GRCh38, 1-based): chr17:31,318,858, G>A on the plus strand (C>T on the coding strand, the complement: EVI2A is on the minus strand). VCF-style: chr17-31318858-G-A. GRCh37 (hg19) VCF-style: chr17-29645876-G-A.
Other names: c.225C>T, p.Gly75= (NM_001003927.3); c.4836-6962G>A (NM_001042492.3); c.4773-6962G>A (NM_000267.4).
Identifiers: ClinVar variation 3044725 (VCV003044725.2), dbSNP rs148409995, ClinGen allele CA8487022.

ClinVar aggregate classification (germline): Benign (0 of 4 stars; one submission).

Conditions:
EVI2A-related disorder. Also called: EVI2A-related condition.

Allele frequency attached by ClinVar (database versions not stated): gnomAD exomes 0.00028; ExAC 0.00074; 1000 Genomes Project 0.00120; 1000 Genomes Project 30x 0.00125; gnomAD 0.00292; TOPMed 0.00322; ESP Exome Variant Server 0.00323.
gnomAD v4.1: 865 of 1,613,994 alleles (0.054%); highest among the groups gnomAD compares: African/African-American, 1%; 8 homozygotes.

Submission:

PreventionGenetics, part of Exact Sciences
Classification: Benign for EVI2A-related condition. Last evaluated: 2019-06-06. Review status: no assertion criteria provided. Collection method: clinical testing. Allele origin: germline.
Comment: This variant is classified as benign based on ACMG/AMP sequence variant interpretation guidelines (Richards et al. 2015 PMID: 25741868, with internal and published modifications).